The following is an entry in ClinVar:

NM_024675.4(PALB2):c.1167T>C (p.Leu389=)

Gene: PALB2 (partner and localizer of BRCA2; minus strand). Cytogenetic location: 16p12.2.
Variant type: single nucleotide variant.
Coding change: c.1167T>C on transcript NM_024675.4 (MANE Select); coding-DNA position 1167, T replaced by C.
Protein change: p.Leu389=; no amino-acid change (leucine 389 retained).
Molecular consequence: synonymous variant.
Genome position (GRCh38, 1-based): chr16:23,635,379, A>G on the plus strand (T>C on the coding strand, the complement: PALB2 is on the minus strand). VCF-style: chr16-23635379-A-G. GRCh37 (hg19) VCF-style: chr16-23646700-A-G.
Other names: c.1167T>C (NM_024675.3).
Identifiers: ClinVar variation 1574258 (VCV001574258.12), dbSNP rs2142423985, ClinGen allele CA494461868.

ClinVar aggregate classification (germline): Benign/Likely benign. Review status: criteria provided, multiple submitters, no conflicts (2 of 4 stars). 4 submissions from 4 submitters: Benign (1); Likely benign (3). Last evaluated 2025-01-13.

Conditions:
Familial cancer of breast. Also called: Hereditary breast cancer; BREAST CANCER, FAMILIAL; hereditary breast carcinoma. Identifiers: Orphanet 227535, MedGen C0346153, MONDO:0016419, OMIM 114480. Disease mechanism: loss of function.
Hereditary cancer-predisposing syndrome. Also called: Tumor predisposition; Hereditary neoplastic syndrome; Neoplastic Syndromes, Hereditary; Hereditary Cancer Syndrome. Identifiers: Orphanet 140162, MedGen C0027672, MeSH D009386, MONDO:0015356.

Allele frequency attached by ClinVar (database versions not stated): gnomAD exomes below 0.00001.
gnomAD v4.1: 2 of 1,614,038 alleles (0.00012%); highest among the groups gnomAD compares: Non-Finnish European, 0.00017%; no homozygotes.

Submissions (4):

Myriad Genetics, Inc.
Classification: Benign for Familial cancer of breast. Last evaluated: 2025-01-13. Review status: criteria provided, single submitter. Criteria: Myriad Autosomal Dominant, Autosomal Recessive and X-Linked Classification Criteria (2023). Collection method: clinical testing. Allele origin: unknown.
Comment: This variant is considered benign. This variant is a silent/synonymous amino acid change and it is not expected to impact splicing.

Blueprint Genetics
Classification: Likely benign. Last evaluated: 2024-04-23. Review status: criteria provided, single submitter. Criteria: ACMG Guidelines, 2015. Collection method: clinical testing. Allele origin: germline.

Ambry Genetics
Classification: Likely benign for Hereditary cancer-predisposing syndrome. Last evaluated: 2024-03-21. Review status: criteria provided, single submitter. Criteria: Ambry Variant Classification Scheme 2023. Collection method: clinical testing. Allele origin: germline.

Labcorp Genetics (formerly Invitae), Labcorp
Classification: Likely benign for Familial cancer of breast. Last evaluated: 2022-12-09. Review status: criteria provided, single submitter. Criteria: Invitae Variant Classification Sherloc (09022015). Collection method: clinical testing. Allele origin: germline.